The following is an entry in ClinVar:

ClinVar aggregate classification (germline): Likely pathogenic (1 of 4 stars; one submission).

Conditions:
Immunodeficiency, common variable, 12 (CVID12). Also called: IMMUNODEFICIENCY, COMMON VARIABLE, 12, WITH AUTOIMMUNITY; NFKB1 DEFICIENCY. Identifiers: Orphanet 1572, Orphanet 696874, MedGen C4225277, MONDO:0014697, OMIM 616576.

Submission:

Laboratorio de Genetica e Diagnostico Molecular, Hospital Israelita Albert Einstein
Classification: Likely pathogenic for Immunodeficiency, common variable, 12. Last evaluated: 2024-11-29. Review status: criteria provided, single submitter. Criteria: ACMG Guidelines, 2015. Collection method: clinical testing. Allele origin: germline. Affected: yes.
Comment: ACMG classification criteria: PVS1 very strong, PM2 supporting

NM_003998.4(NFKB1):c.761dup (p.Arg255fs)

Gene: NFKB1 (nuclear factor kappa B subunit 1; plus strand). Cytogenetic location: 4q24.
Variant type: Duplication.
Coding change: c.761dup on transcript NM_003998.4 (MANE Select); coding-DNA position 761, one base duplicated (T; older notation c.761dupT).
Protein change: p.Arg255fs; shifts the reading frame from arginine 255.
Molecular consequence: frameshift variant.
Genome position (GRCh38, 1-based): chr4:102,580,565, T duplicated. VCF-style (leftmost placement, unchanged base first): chr4-102580564-G-GT. GRCh37 (hg19) VCF-style: chr4-103501721-G-GT.
Other names: c.758dup, p.Arg254fs (NM_001165412.2, NM_001319226.2, NM_001382627.1); c.761dup, p.Arg255fs (NM_001382625.1, NM_001382626.1); c.719dup, p.Arg241fs (NM_001382628.1); short protein forms R241fs, R254fs, R255fs.
Identifiers: ClinVar variation 4056657 (VCV004056657.1).